The following is an entry in ClinVar:

ClinVar aggregate classification (germline): Uncertain significance. Review status: criteria provided, multiple submitters, no conflicts (2 of 4 stars). 2 submissions from 2 submitters: Uncertain significance (2). Last evaluated 2024-02-19.

Conditions:
Senior-Loken syndrome 8 (SLSN8). Identifiers: Orphanet 3156, MedGen C4225376, MONDO:0014579, OMIM 616307.
Asphyxiating thoracic dystrophy 5 (SRTD5). Also called: SHORT-RIB THORACIC DYSPLASIA 5 WITH OR WITHOUT POLYDACTYLY; SHORT-RIB THORACIC DYSPLASIA 5 WITHOUT POLYDACTYLY. Identifiers: Orphanet 474, MedGen C3280598, MONDO:0013717, OMIM 614376.
Nephronophthisis 13 (NPHP13). Identifiers: Orphanet 655, MedGen C3280612, MONDO:0013718, OMIM 614377.
Cranioectodermal dysplasia 4 (CED4). Identifiers: Orphanet 1515, MedGen C3280616, MONDO:0013719, OMIM 614378.
Spermatogenic failure 72 (SPGF72). Identifiers: MedGen C5676980, MONDO:0030809, OMIM 619867.

Allele frequency attached by ClinVar (database versions not stated): gnomAD exomes below 0.00001; TOPMed below 0.00001.
gnomAD v4.1: 1 of 1,576,432 alleles (0.000063%); highest among the groups gnomAD compares: Non-Finnish European, 0.000086%; no homozygotes.

Submissions (2):

Fulgent Genetics
Classification: Uncertain significance for Asphyxiating thoracic dystrophy 5; Nephronophthisis 13; Cranioectodermal dysplasia 4; Senior-Loken syndrome 8; Spermatogenic failure 72. Last evaluated: 2024-02-19. Review status: criteria provided, single submitter. Criteria: ACMG Guidelines, 2015. Collection method: clinical testing. Allele origin: germline.

Labcorp Genetics (formerly Invitae), Labcorp
Classification: Uncertain significance for Senior-Loken syndrome 8; Asphyxiating thoracic dystrophy 5. Last evaluated: 2020-03-17. Review status: criteria provided, single submitter. Criteria: Invitae Variant Classification Sherloc (09022015). Collection method: clinical testing. Allele origin: germline.
Comment: Algorithms developed to predict the effect of missense changes on protein structure and function are either unavailable or do not agree on the potential impact of this missense change (SIFT: "Deleterious"; PolyPhen-2: "Probably Damaging"; Align-GVGD: "Class C0"). This sequence change replaces glycine with arginine at codon 526 of the WDR19 protein (p.Gly526Arg). The glycine residue is highly conserved and there is a moderate physicochemical difference between glycine and arginine. This variant is not present in population databases (ExAC no frequency). This variant has not been reported in the literature in individuals with WDR19-related conditions. Algorithms developed to predict the effect of sequence changes on RNA splicing suggest that this variant may create or strengthen a splice site, but this prediction has not been confirmed by published transcriptional studies. In summary, the available evidence is currently insufficient to determine the role of this variant in disease. Therefore, it has been classified as a Variant of Uncertain Significance.

NM_025132.4(WDR19):c.1576G>A (p.Gly526Arg)

Gene: WDR19 (WD repeat domain 19; plus strand). Cytogenetic location: 4p14.
Variant type: single nucleotide variant.
Coding change: c.1576G>A on transcript NM_025132.4 (MANE Select); coding-DNA position 1576, G replaced by A.
Protein change: p.Gly526Arg; replaces glycine 526 with arginine.
Molecular consequence: missense variant.
Genome position (GRCh38, 1-based): chr4:39,224,980, G>A. VCF-style: chr4-39224980-G-A. GRCh37 (hg19) VCF-style: chr4-39226600-G-A.
Other names: c.1096G>A, p.Gly366Arg (NM_001317924.2); short protein forms G366R, G526R.
Identifiers: ClinVar variation 999536 (VCV000999536.8), dbSNP rs1335665760, ClinGen allele CA356632134.